The following is an entry in ClinVar:

NM_001382637.1(OTUD7A):c.2241C>A (p.Gly747=)

Gene: OTUD7A (OTU deubiquitinase 7A; minus strand). Cytogenetic location: 15q13.3.
Variant type: single nucleotide variant.
Coding change: c.2241C>A on transcript NM_001382637.1 (MANE Select); coding-DNA position 2241, C replaced by A.
Protein change: p.Gly747=; no amino-acid change (glycine 747 retained).
Molecular consequence: synonymous variant.
Genome position (GRCh38, 1-based): chr15:31,483,855, G>T on the plus strand (C>A on the coding strand, the complement: OTUD7A is on the minus strand). VCF-style: chr15-31483855-G-T. GRCh37 (hg19) VCF-style: chr15-31776058-G-T.
Other names: c.2220C>A, p.Gly740= (NM_130901.3).
Identifiers: ClinVar variation 5038661 (VCV005038661.1).

ClinVar aggregate classification (germline): Likely benign (1 of 4 stars; one submission).

gnomAD v4.1: 117 of 980,856 alleles (0.012%); highest among the groups gnomAD compares: Middle Eastern, 0.052%; 1 homozygote.

Submission:

CeGaT Center for Human Genetics Tuebingen
Classification: Likely benign. Last evaluated: 2026-07-01. Review status: criteria provided, single submitter. Criteria: CeGaT Center For Human Genetics Tuebingen Variant Classification Criteria Version 2. Collection method: clinical testing. Allele origin: germline. Affected: yes. Observed: 1 variant allele.
Comment: OTUD7A: BP4, BP7